The following is an entry in ClinVar:

NM_004370.6(COL12A1):c.4602C>T (p.Asp1534=)

Gene: COL12A1 (collagen type XII alpha 1 chain; minus strand). Cytogenetic location: 6q13.
Variant type: single nucleotide variant.
Coding change: c.4602C>T on transcript NM_004370.6 (MANE Select); coding-DNA position 4602, C replaced by T.
Protein change: p.Asp1534=; no amino-acid change (aspartic acid 1534 retained).
Molecular consequence: synonymous variant.
Genome position (GRCh38, 1-based): chr6:75,145,414, G>A on the plus strand (C>T on the coding strand, the complement: COL12A1 is on the minus strand). VCF-style: chr6-75145414-G-A. GRCh37 (hg19) VCF-style: chr6-75855130-G-A.
Other names: c.1110C>T, p.Asp370= (NM_080645.3).
Identifiers: ClinVar variation 1034080 (VCV001034080.1), dbSNP rs1767127938, ClinGen allele CA450924000.

ClinVar aggregate classification (germline): Uncertain significance (1 of 4 stars; one submission).

Conditions:
Ullrich congenital muscular dystrophy 2 (UCMD2). Identifiers: Orphanet 75840, MedGen C4225314, MONDO:0014654, OMIM 616470.

Submission:

Baylor Genetics
Classification: Uncertain significance for Ullrich congenital muscular dystrophy 2. Last evaluated: 2018-01-24. Review status: criteria provided, single submitter. Criteria: ACMG Guidelines, 2015. Collection method: clinical testing. Allele origin: unknown. Affected: yes.
Comment: This variant was determined to be of uncertain significance according to ACMG Guidelines, 2015 [PMID:25741868].